The following is an entry in ClinVar:

ClinVar aggregate classification (germline): Uncertain significance (1 of 4 stars; one submission).

Conditions:
Brachyolmia-amelogenesis imperfecta syndrome. Also called: PLATYSPONDYLY WITH AMELOGENESIS IMPERFECTA; Tooth agenesis, selective, 6; Dental anomalies and short stature. Identifiers: Orphanet 2899, MedGen C1832594, MONDO:0011018, OMIM 601216. Disease mechanism: loss of function.

Submission:

Labcorp Genetics (formerly Invitae), Labcorp
Classification: Uncertain significance for Brachyolmia-amelogenesis imperfecta syndrome. Last evaluated: 2024-04-11. Review status: criteria provided, single submitter. Criteria: Invitae Variant Classification Sherloc (09022015). Collection method: clinical testing. Allele origin: germline.
Comment: This sequence change replaces alanine, which is neutral and non-polar, with threonine, which is neutral and polar, at codon 310 of the LTBP3 protein (p.Ala310Thr). This variant is not present in population databases (gnomAD no frequency). This variant has not been reported in the literature in individuals affected with LTBP3-related conditions. An algorithm developed to predict the effect of missense changes on protein structure and function (PolyPhen-2) suggests that this variant is likely to be disruptive. In summary, the available evidence is currently insufficient to determine the role of this variant in disease. Therefore, it has been classified as a Variant of Uncertain Significance.

NM_001130144.3(LTBP3):c.928G>A (p.Ala310Thr)

Gene: LTBP3 (latent transforming growth factor beta binding protein 3; minus strand). Cytogenetic location: 11q13.1.
Variant type: single nucleotide variant.
Coding change: c.928G>A on transcript NM_001130144.3 (MANE Select); coding-DNA position 928, G replaced by A.
Protein change: p.Ala310Thr; replaces alanine 310 with threonine.
Molecular consequence: missense variant.
Genome position (GRCh38, 1-based): chr11:65,553,467, C>T on the plus strand (G>A on the coding strand, the complement: LTBP3 is on the minus strand). VCF-style: chr11-65553467-C-T. GRCh37 (hg19) VCF-style: chr11-65320938-C-T.
Other names: c.577G>A, p.Ala193Thr (NM_001164266.1); c.928G>A, p.Ala310Thr (NM_021070.4); short protein forms A310T, A193T.
Identifiers: ClinVar variation 2870638 (VCV002870638.3), dbSNP rs2496174309, ClinGen allele CA381275180.